The following is an entry in ClinVar:

NM_000051.4(ATM):c.2380A>C (p.Ser794Arg)

Gene: ATM (ATM serine/threonine kinase; plus strand). Cytogenetic location: 11q22.3.
Variant type: single nucleotide variant.
Coding change: c.2380A>C on transcript NM_000051.4 (MANE Select); coding-DNA position 2380, A replaced by C.
Protein change: p.Ser794Arg; replaces serine 794 with arginine.
Molecular consequence: missense variant.
Genome position (GRCh38, 1-based): chr11:108,258,989, A>C. VCF-style: chr11-108258989-A-C. GRCh37 (hg19) VCF-style: chr11-108129716-A-C.
Other names: c.2380A>C, p.Ser794Arg (NM_001351834.2); short protein forms S794R.
Identifiers: ClinVar variation 229698 (VCV000229698.14), dbSNP rs876658149, ClinGen allele CA10579052.

ClinVar aggregate classification (germline): Uncertain significance. Review status: criteria provided, multiple submitters, no conflicts (2 of 4 stars). 2 submissions from 2 submitters: Uncertain significance (2). Last evaluated 2024-09-25.

Conditions:
Hereditary cancer-predisposing syndrome. Also called: Hereditary Cancer Syndrome; Neoplastic Syndromes, Hereditary; Tumor predisposition; Hereditary neoplastic syndrome. Identifiers: Orphanet 140162, MedGen C0027672, MeSH D009386, MONDO:0015356.
Ataxia-telangiectasia syndrome (AT). Also called: Ataxia telangiectasia (A-T); Ataxia-telangiectasia, complementation group E; LOUIS-BAR SYNDROME; Cerebello-oculocutaneous telangiectasia; Immunodeficiency with ataxia telangiectasia; Ataxia-telangiectasia, complementation group D. Identifiers: Orphanet 100, MedGen C0004135, MONDO:0008840, OMIM 208900.

Submissions (2):

Labcorp Genetics (formerly Invitae), Labcorp
Classification: Uncertain significance for Ataxia-telangiectasia syndrome. Last evaluated: 2024-09-25. Review status: criteria provided, single submitter. Criteria: Invitae Variant Classification Sherloc (09022015). Collection method: clinical testing. Allele origin: germline.
Comment: This sequence change replaces serine, which is neutral and polar, with arginine, which is basic and polar, at codon 794 of the ATM protein (p.Ser794Arg). This variant is not present in population databases (gnomAD no frequency). This variant has not been reported in the literature in individuals affected with ATM-related conditions. ClinVar contains an entry for this variant (Variation ID: 229698). An algorithm developed to predict the effect of missense changes on protein structure and function (PolyPhen-2) suggests that this variant is likely to be tolerated. In summary, the available evidence is currently insufficient to determine the role of this variant in disease. Therefore, it has been classified as a Variant of Uncertain Significance.

Ambry Genetics
Classification: Uncertain significance for Hereditary cancer-predisposing syndrome. Last evaluated: 2023-10-15. Review status: criteria provided, single submitter. Criteria: Ambry Variant Classification Scheme 2023. Collection method: clinical testing. Allele origin: germline.
Comment: The p.S794R variant (also known as c.2380A>C), located in coding exon 15 of the ATM gene, results from an A to C substitution at nucleotide position 2380. The serine at codon 794 is replaced by arginine, an amino acid with dissimilar properties. This amino acid position is poorly conserved in available vertebrate species. In addition, this alteration is predicted to be tolerated by in silico analysis. Since supporting evidence is limited at this time, the clinical significance of this alteration remains unclear.